The following is an entry in ClinVar:

NM_017636.4(TRPM4):c.3131+98C>T

Gene: TRPM4 (transient receptor potential cation channel subfamily M member 4; plus strand). Cytogenetic location: 19q13.33.
Variant type: single nucleotide variant.
Coding change: c.3131+98C>T on transcript NM_017636.4 (MANE Select); 98 bases into the intron after coding-DNA position 3131, C replaced by T.
Molecular consequence: intron variant.
Genome position (GRCh38, 1-based): chr19:49,202,239, C>T. VCF-style: chr19-49202239-C-T. GRCh37 (hg19) VCF-style: chr19-49705496-C-T.
Other names: c.2696+98C>T (NM_001195227.2); c.1523+98C>T (NM_001321282.2); c.2786+98C>T (NM_001321281.2); c.2609+98C>T (NM_001321283.2); c.2069+98C>T (NM_001321285.2).
Identifiers: ClinVar variation 676398 (VCV000676398.2), dbSNP rs73942812, ClinGen allele CA309459459.
Genomic context (GRCh38, chr19:49,202,239, plus strand): 5'-CATGACCCGTGGCCCTCTCATGACTCTTGAACCCCGTCTAATGAATTCTGTTTTTAGTCC[C>T]TGAACTCTGATCCAATCTAATGCTGCCTTCTCCCCAAACCCAACCAGACCCTGCTTGTAA-3'

ClinVar aggregate classification (germline): Benign. Review status: criteria provided, multiple submitters, no conflicts (2 of 4 stars). 2 submissions from 2 submitters: Benign (2). Last evaluated 2018-06-14.

Allele frequency attached by ClinVar (database versions not stated): gnomAD 0.03529 and 0.03794; 1000 Genomes Project 0.03534; 1000 Genomes Project 30x 0.03685; TOPMed 0.04055.
gnomAD v4.1: 10,404 of 1,400,654 alleles (0.74%); highest among the groups gnomAD compares: African/African-American, 12%; 568 homozygotes.

Submissions (2):

GeneDx
Classification: Benign. Last evaluated: 2018-06-14. Review status: criteria provided, single submitter. Criteria: GeneDx Variant Classification (06012015). Collection method: clinical testing. Allele origin: germline. Affected: yes.
Comment: This variant is considered likely benign or benign based on one or more of the following criteria: it is a conservative change, it occurs at a poorly conserved position in the protein, it is predicted to be benign by multiple in silico algorithms, and/or has population frequency not consistent with disease.

Breakthrough Genomics
Classification: Benign. Review status: criteria provided, single submitter. Criteria: ACMG Guidelines, 2015. Collection method: not provided. Allele origin: germline. Inheritance: Autosomal dominant inheritance. Affected: yes.